The following is an entry in ClinVar:

ClinVar aggregate classification (germline): Uncertain significance. Review status: criteria provided, multiple submitters, no conflicts (2 of 4 stars). 2 submissions from 2 submitters: Uncertain significance (2). Last evaluated 2026-01-16.

Conditions:
Hereditary cancer-predisposing syndrome. Also called: Tumor predisposition; Hereditary neoplastic syndrome; Hereditary Cancer Syndrome; Neoplastic Syndromes, Hereditary. Identifiers: Orphanet 140162, MedGen C0027672, MeSH D009386, MONDO:0015356.
Neuroblastoma, susceptibility to, 3. Also called: ALK-Related Neuroblastic Tumor Susceptibility. Identifiers: Orphanet 635, MedGen C2751681, MONDO:0013083, OMIM 613014.

gnomAD v4.1: 1 of 1,613,652 alleles (0.000062%); highest among the groups gnomAD compares: South Asian, 0.0011%; no homozygotes.

Submissions (2):

Ambry Genetics
Classification: Uncertain significance for Hereditary cancer-predisposing syndrome. Last evaluated: 2026-01-16. Review status: criteria provided, single submitter. Criteria: Ambry Variant Classification Scheme 2023. Collection method: clinical testing. Allele origin: germline.
Comment: The p.K748R variant (also known as c.2243A>G), located in coding exon 13 of the ALK gene, results from an A to G substitution at nucleotide position 2243. The lysine at codon 748 is replaced by arginine, an amino acid with highly similar properties. This amino acid position is conserved. In addition, this alteration is predicted to be tolerated by in silico analysis. Based on the available evidence, the clinical significance of this variant remains unclear.

Labcorp Genetics (formerly Invitae), Labcorp
Classification: Uncertain significance for Neuroblastoma, susceptibility to, 3. Last evaluated: 2021-03-26. Review status: criteria provided, single submitter. Criteria: Invitae Variant Classification Sherloc (09022015). Collection method: clinical testing. Allele origin: germline.
Comment: This sequence change replaces lysine with arginine at codon 748 of the ALK protein (p.Lys748Arg). The lysine residue is highly conserved and there is a small physicochemical difference between lysine and arginine. This variant is not present in population databases (ExAC no frequency). This variant has not been reported in the literature in individuals with ALK-related conditions. Algorithms developed to predict the effect of missense changes on protein structure and function output the following: SIFT: "Deleterious"; PolyPhen-2: "Possibly Damaging"; Align-GVGD: "Class C25". The arginine amino acid residue is found in multiple mammalian species, suggesting that this missense change does not adversely affect protein function. These predictions have not been confirmed by published functional studies and their clinical significance is uncertain. In summary, the available evidence is currently insufficient to determine the role of this variant in disease. Therefore, it has been classified as a Variant of Uncertain Significance.

NM_004304.5(ALK):c.2243A>G (p.Lys748Arg)

Gene: ALK (ALK receptor tyrosine kinase; minus strand). Cytogenetic location: 2p23.2.
Variant type: single nucleotide variant.
Coding change: c.2243A>G on transcript NM_004304.5 (MANE Select); coding-DNA position 2243, A replaced by G.
Protein change: p.Lys748Arg; replaces lysine 748 with arginine.
Molecular consequence: missense variant.
Genome position (GRCh38, 1-based): chr2:29,239,792, T>C on the plus strand (A>G on the coding strand, the complement: ALK is on the minus strand). VCF-style: chr2-29239792-T-C. GRCh37 (hg19) VCF-style: chr2-29462658-T-C.
Other names: short protein forms K748R.
Identifiers: ClinVar variation 935649 (VCV000935649.10), dbSNP rs1558633442, ClinGen allele CA346474683.
Genomic context (GRCh38, chr2:29,239,792, plus strand): 5'-TCCTTCTCCAGGTTGAAGATGCCCAGCACAGACACGCCGTGGGACCGCATCATGGTGTTC[T>C]TCCCGCCTTTCCCGCCAGCAGCTCCGTAGCCCGAGATGCTGCAATGGGACAAAGAACGTT-3'
Protein context (NP_004295.2, residues 738-758): GYGAAGGKGG[Lys748Arg]NTMMRSHGVS